The following is an entry in ClinVar:

NM_001378454.1(ALMS1):c.4952C>T (p.Ala1651Val)

Gene: ALMS1 (ALMS1 centrosome and basal body associated protein; plus strand). Cytogenetic location: 2p13.1.
Variant type: single nucleotide variant.
Coding change: c.4952C>T on transcript NM_001378454.1 (MANE Select); coding-DNA position 4952, C replaced by T.
Protein change: p.Ala1651Val; replaces alanine 1651 with valine.
Molecular consequence: missense variant.
Genome position (GRCh38, 1-based): chr2:73,451,479, C>T. VCF-style: chr2-73451479-C-T. GRCh37 (hg19) VCF-style: chr2-73678606-C-T.
Other names: c.4955C>T, p.Ala1652Val (NM_015120.4); short protein forms A1652V, A1651V.
Identifiers: ClinVar variation 2140111 (VCV002140111.1), dbSNP rs2466103384, ClinGen allele CA347279602.

ClinVar aggregate classification (germline): Uncertain significance (1 of 4 stars; one submission).

Conditions:
Alstrom syndrome (ALMS). Identifiers: Orphanet 64, MedGen C0268425, MONDO:0008763, OMIM 203800.

Submission:

Labcorp Genetics (formerly Invitae), Labcorp
Classification: Uncertain significance for Alstrom syndrome. Last evaluated: 2022-06-15. Review status: criteria provided, single submitter. Criteria: Invitae Variant Classification Sherloc (09022015). Collection method: clinical testing. Allele origin: germline.
Comment: This sequence change replaces alanine, which is neutral and non-polar, with valine, which is neutral and non-polar, at codon 1652 of the ALMS1 protein (p.Ala1652Val). This variant is not present in population databases (gnomAD no frequency). This variant has not been reported in the literature in individuals affected with ALMS1-related conditions. Experimental studies and prediction algorithms are not available or were not evaluated, and the functional significance of this variant is currently unknown. In summary, the available evidence is currently insufficient to determine the role of this variant in disease. Therefore, it has been classified as a Variant of Uncertain Significance.